The following is an entry in ClinVar:

ClinVar aggregate classification (germline): Conflicting classifications of pathogenicity. Review status: criteria provided, conflicting classifications (1 of 4 stars). 2 submissions from 2 submitters: Likely pathogenic (1); Uncertain significance (1). Last evaluated 2020-09-18.

Conditions:
X-linked Alport syndrome (ATS1). Also called: NEPHROPATHY AND DEAFNESS, X-LINKED; COL4A5-Related Nephropathy. Identifiers: Orphanet 63, Orphanet 88917, MedGen C4746986, MONDO:0010520, OMIM 301050.

Submissions (2):

Labcorp Genetics (formerly Invitae), Labcorp
Classification: Uncertain significance. Last evaluated: 2020-09-18. Review status: criteria provided, single submitter. Criteria: Invitae Variant Classification Sherloc (09022015). Collection method: clinical testing. Allele origin: germline.
Comment: This variant has been observed in individual(s) with clinical features of Alport syndrome (Invitae). In summary, the available evidence is currently insufficient to determine the role of this variant in disease. Therefore, it has been classified as a Variant of Uncertain Significance. Advanced modeling of protein sequence and biophysical properties (such as structural, functional, and spatial information, amino acid conservation, physicochemical variation, residue mobility, and thermodynamic stability) performed at Invitae indicates that this missense variant is not expected to disrupt COL4A5 protein function. This variant is not present in population databases (ExAC no frequency). This sequence change replaces arginine with proline at codon 777 of the COL4A5 protein (p.Arg777Pro). The arginine residue is moderately conserved and there is a moderate physicochemical difference between arginine and proline.

Precision Medicine Center, Zhengzhou University
Classification: Likely pathogenic for X-linked Alport syndrome. Review status: criteria provided, single submitter. Criteria: ACMG Guidelines, 2015. Collection method: research. Allele origin: germline. Affected: yes.
Comment: PM1:Located in a mutational hot spot PM2:not found in gnomAD PP1:Cosegregation with disease in multiple affected family members PP3:Multiple lines of computational evidence support a deleterious effect on the gene or gene product PP4:Patient's phenotype is highly specific for a disease

NM_033380.3(COL4A5):c.2330G>C (p.Arg777Pro)

Gene: COL4A5 (collagen type IV alpha 5 chain; plus strand). Cytogenetic location: Xq22.3.
Variant type: single nucleotide variant.
Coding change: c.2330G>C on transcript NM_033380.3 (MANE Select); coding-DNA position 2330, G replaced by C.
Protein change: p.Arg777Pro; replaces arginine 777 with proline.
Molecular consequence: missense variant.
Genome position (GRCh38, 1-based): chrX:108,606,827, G>C. VCF-style: chrX-108606827-G-C. GRCh37 (hg19) VCF-style: chrX-107850057-G-C.
Other names: c.2330G>C, p.Arg777Pro (NM_000495.5); short protein forms R777P.
Identifiers: ClinVar variation 1045646 (VCV001045646.10), dbSNP rs200371339, ClinGen allele CA413849029.